The following is an entry in ClinVar:

NM_001114753.3(ENG):c.360+1G>C

Gene: ENG (endoglin; minus strand). Cytogenetic location: 9q34.11.
Variant type: single nucleotide variant.
Coding change: c.360+1G>C on transcript NM_001114753.3 (MANE Select); the canonical splice donor site of the intron after coding-DNA position 360, G replaced by C.
Molecular consequence: splice donor variant.
Genome position (GRCh38, 1-based): chr9:127,829,686, C>G on the plus strand (G>C on the coding strand, the complement: ENG is on the minus strand). VCF-style: chr9-127829686-C-G. GRCh37 (hg19) VCF-style: chr9-130591965-C-G.
Other names: c.360+1G>C (NM_001406715.1, NM_000118.4); c.-187+1G>C (NM_001278138.2).
Identifiers: ClinVar variation 1076907 (VCV001076907.10), dbSNP rs886039505, ClinGen allele CA374985622.

ClinVar aggregate classification (germline): Pathogenic. Review status: criteria provided, multiple submitters, no conflicts (2 of 4 stars). 2 submissions from 2 submitters: Pathogenic (2). Last evaluated 2022-01-06.

Conditions:
Hereditary hemorrhagic telangiectasia (HHT). Also called: Osler hemorrhagic telangiectasia syndrome; ORW DISEASE; Osler Weber Rendu syndrome; OSLER-RENDU-WEBER DISEASE. Identifiers: Orphanet 774, MedGen C0039445, MONDO:0019180. Disease mechanism: loss of function.
Cardiovascular phenotype. Identifiers: MedGen CN230736.

Submissions (2):

Ambry Genetics
Classification: Pathogenic for Cardiovascular phenotype. Last evaluated: 2022-01-06. Review status: criteria provided, single submitter. Criteria: Ambry Variant Classification Scheme 2023. Collection method: clinical testing. Allele origin: germline.
Comment: The c.360+1G>C intronic pathogenic mutation results from a G to C substitution one nucleotide after coding exon 3 of the ENG gene. Alterations that disrupt the canonical splice site are expected to result in aberrant splicing. In silico splice site analysis predicts that this alteration will weaken the native splice donor site. The resulting transcript is predicted to be in-frame and is not expected to trigger nonsense-mediated mRNAdecay; however, direct evidence is unavailable. The exact functional effect of the altered amino acid sequence is unknown; however, the impacted region is critical for protein function and a significant portion of the protein is affected (Ambry internal data). This alteration was reported in a family with hereditary hemorrhagic telangiectasia (HHT), segregating in affected family members (Dakeishi M et al. Hum Mutat, 2002 Feb;19:140-8). This variant is considered to be rare based on population cohorts in the Genome Aggregation Database (gnomAD). Based on the supporting evidence, this alteration is interpreted as a disease-causing mutation.

Labcorp Genetics (formerly Invitae), Labcorp
Classification: Pathogenic for Hereditary hemorrhagic telangiectasia. Last evaluated: 2020-10-08. Review status: criteria provided, single submitter. Criteria: Invitae Variant Classification Sherloc (09022015). Collection method: clinical testing. Allele origin: germline.
Comment: Donor and acceptor splice site variants typically lead to a loss of protein function (PMID: 16199547), and loss-of-function variants in ENG are known to be pathogenic (PMID: 15879500). Experimental studies have shown that this variant disrupts mRNA splicing (PMID: 11793473). Disruption of this splice site has been observed in individual(s) with hereditary hemorrhagic telangiectasia (HHT) (PMID: 11793473, 22991266, 12920067, 9366572). This variant is not present in population databases (ExAC no frequency). This sequence change affects a donor splice site in intron 3 of the ENG gene. It is expected to disrupt RNA splicing and likely results in an absent or disrupted protein product. For these reasons, this variant has been classified as Pathogenic.

Literature cited by the submitters: PubMed 11793473 (cited by Ambry Genetics and Labcorp Genetics (formerly Invitae), Labcorp); PubMed 16199547 (cited by Labcorp Genetics (formerly Invitae), Labcorp); PubMed 15879500 (cited by Labcorp Genetics (formerly Invitae), Labcorp); PubMed 22991266 (cited by Labcorp Genetics (formerly Invitae), Labcorp); PubMed 12920067 (cited by Labcorp Genetics (formerly Invitae), Labcorp); PubMed 9366572 (cited by Labcorp Genetics (formerly Invitae), Labcorp).